The following is an entry in ClinVar:

NM_181507.2(HPS5):c.1514A>G (p.Asn505Ser)

Gene: HPS5 (HPS5 biogenesis of lysosomal organelles complex 2 subunit 2; minus strand). Cytogenetic location: 11p15.1.
Variant type: single nucleotide variant.
Coding change: c.1514A>G on transcript NM_181507.2 (MANE Select); coding-DNA position 1514, A replaced by G.
Protein change: p.Asn505Ser; replaces asparagine 505 with serine.
Molecular consequence: missense variant.
Genome position (GRCh38, 1-based): chr11:18,296,119, T>C on the plus strand (A>G on the coding strand, the complement: HPS5 is on the minus strand). VCF-style: chr11-18296119-T-C. GRCh37 (hg19) VCF-style: chr11-18317666-T-C.
Other names: c.1172A>G, p.Asn391Ser (NM_007216.4, NM_181508.2); short protein forms N391S, N505S.
Identifiers: ClinVar variation 1421320 (VCV001421320.8), dbSNP rs143265437, ClinGen allele CA5910086.
Genomic context (GRCh38, chr11:18,296,119, plus strand): 5'-CCGAACGGGAGAAAAGTTTCATTCTTATCTGTCTCAAACATCACTGGAGCATGAGAAACA[T>C]TGTCTAATGAATGGAATCAGGAAAAAAAGAAACAAAATCTAATCACGTGGGAGTTGTTTT-3'
Protein context (NP_852608.1, residues 495-515): QCCGSHGNED[Asn505Ser]VSHAPVMFET

ClinVar aggregate classification (germline): Conflicting classifications of pathogenicity. Review status: criteria provided, conflicting classifications (1 of 4 stars). 4 submissions from 4 submitters: Uncertain significance (3); Likely benign (1). Last evaluated 2026-03-09.

Conditions:
Inborn genetic diseases. Identifiers: MedGen C0950123, MeSH D030342.
HPS5-related disorder. Also called: HPS5-related condition.

Allele frequency attached by ClinVar (database versions not stated): gnomAD 0.00014 and 0.00013; ESP Exome Variant Server 0.00015; TOPMed 0.00018; 1000 Genomes Project 0.00060; 1000 Genomes Project 30x 0.00062; gnomAD exomes 0.00003 and 0.00009; ExAC 0.00010.
gnomAD v4.1: 63 of 1,613,346 alleles (0.0039%); highest among the groups gnomAD compares: African/African-American, 0.06%; no homozygotes.

Submissions (4):

PreventionGenetics, part of Exact Sciences
Classification: Uncertain significance for HPS5-related condition. Last evaluated: 2026-03-09. Review status: criteria provided, single submitter. Criteria: ACMG Guidelines, 2015. Collection method: clinical testing. Allele origin: germline.
Comment: The HPS5 c.1514A>G variant is predicted to result in the amino acid substitution p.Asn505Ser. To our knowledge, this variant has not been reported in the literature. This variant is reported in 0.10% of alleles in individuals of African descent in gnomAD. Although we suspect that this variant may be benign, at this time, the clinical significance of this variant is uncertain due to the absence of conclusive functional and genetic evidence.

Ambry Genetics
Classification: Uncertain significance for Inborn genetic diseases. Last evaluated: 2025-11-24. Review status: criteria provided, single submitter. Criteria: Ambry Variant Classification Scheme 2023. Collection method: clinical testing. Allele origin: germline.

Women's Health and Genetics/Laboratory Corporation of America, LabCorp
Classification: Likely benign. Last evaluated: 2024-01-08. Review status: criteria provided, single submitter. Criteria: LabCorp Variant Classification Summary - May 2015. Collection method: clinical testing. Allele origin: germline.
Comment: Variant summary: HPS5 c.1514A>G (p.Asn505Ser) results in a conservative amino acid change in the encoded protein sequence. Five of five in-silico tools predict a benign effect of the variant on protein function. The variant allele was found at a frequency of 9.2e-05 in 251184 control chromosomes, predominantly at a frequency of 0.001 within the African or African-American subpopulation in the gnomAD database. The observed variant frequency within African or African-American control individuals in the gnomAD database is approximately 2.1-fold of the estimated maximal expected allele frequency for a pathogenic variant in HPS5 causing Hermansky-Pudlak Syndrome phenotype (0.00047), strongly suggesting that the variant is a benign polymorphism found primarily in populations of African or African-American origin. To our knowledge, no occurrence of c.1514A>G in individuals affected with Hermansky-Pudlak Syndrome and no experimental evidence demonstrating its impact on protein function have been reported. ClinVar contains an entry for this variant (Variation ID: 1421320). Based on the evidence outlined above, the variant was classified as likely benign.

Labcorp Genetics (formerly Invitae), Labcorp
Classification: Uncertain significance. Last evaluated: 2022-10-25. Review status: criteria provided, single submitter. Criteria: Invitae Variant Classification Sherloc (09022015). Collection method: clinical testing. Allele origin: germline.
Comment: This sequence change replaces asparagine, which is neutral and polar, with serine, which is neutral and polar, at codon 505 of the HPS5 protein (p.Asn505Ser). This variant is present in population databases (rs143265437, gnomAD 0.1%). This variant has not been reported in the literature in individuals affected with HPS5-related conditions. ClinVar contains an entry for this variant (Variation ID: 1421320). Algorithms developed to predict the effect of missense changes on protein structure and function output the following: SIFT: "Tolerated"; PolyPhen-2: "Benign"; Align-GVGD: "Class C0". The serine amino acid residue is found in multiple mammalian species, which suggests that this missense change does not adversely affect protein function. Algorithms developed to predict the effect of sequence changes on RNA splicing suggest that this variant may disrupt the consensus splice site. In summary, the available evidence is currently insufficient to determine the role of this variant in disease. Therefore, it has been classified as a Variant of Uncertain Significance.